The following is an entry in ClinVar:

NM_182920.2(ADAMTS9):c.4092C>T (p.Asn1364=)

Gene: ADAMTS9 (ADAM metallopeptidase with thrombospondin type 1 motif 9; minus strand). Cytogenetic location: 3p14.1.
Variant type: single nucleotide variant.
Coding change: c.4092C>T on transcript NM_182920.2 (MANE Select); coding-DNA position 4092, C replaced by T.
Protein change: p.Asn1364=; no amino-acid change (asparagine 1364 retained).
Molecular consequence: synonymous variant.
Genome position (GRCh38, 1-based): chr3:64,596,917, G>A on the plus strand (C>T on the coding strand, the complement: ADAMTS9 is on the minus strand). VCF-style: chr3-64596917-G-A. GRCh37 (hg19) VCF-style: chr3-64582593-G-A.
Other names: c.4008C>T, p.Asn1336= (NM_001318781.2).
Identifiers: ClinVar variation 3040758 (VCV003040758.3), dbSNP rs374058008, ClinGen allele CA2480631.

ClinVar aggregate classification (germline): Likely benign. Review status: criteria provided, single submitter (1 of 4 stars). 2 submissions from 2 submitters: Likely benign (1). 1 of the submissions does not count toward it. Last evaluated 2025-06-11.

Conditions:
ADAMTS9-related disorder. Also called: ADAMTS9-related condition.

Allele frequency attached by ClinVar (database versions not stated): ExAC 0.00005; gnomAD exomes 0.00006; gnomAD 0.00005; TOPMed 0.00005; ESP Exome Variant Server 0.00015; 1000 Genomes Project 0.00020; 1000 Genomes Project 30x 0.00031.
gnomAD v4.1: 87 of 1,613,934 alleles (0.0054%); highest among the groups gnomAD compares: Non-Finnish European, 0.0068%; no homozygotes.

Submissions (2):

Labcorp Genetics (formerly Invitae), Labcorp
Classification: Likely benign. Last evaluated: 2025-06-11. Review status: criteria provided, single submitter. Criteria: Invitae Variant Classification Sherloc (09022015). Collection method: clinical testing. Allele origin: germline.

PreventionGenetics, part of Exact Sciences
Classification: Likely benign for ADAMTS9-related condition. Last evaluated: 2019-09-18. Review status: no assertion criteria provided. Collection method: clinical testing. Allele origin: germline. Not counted in ClinVar's aggregate classification.
Comment: This variant is classified as likely benign based on ACMG/AMP sequence variant interpretation guidelines (Richards et al. 2015 PMID: 25741868, with internal and published modifications).